The following is an entry in ClinVar:

NM_018367.7(ACER3):c.182A>G (p.Lys61Arg)

Gene: ACER3 (alkaline ceramidase 3; plus strand). Cytogenetic location: 11q13.5.
Variant type: single nucleotide variant.
Coding change: c.182A>G on transcript NM_018367.7 (MANE Select); coding-DNA position 182, A replaced by G.
Protein change: p.Lys61Arg; replaces lysine 61 with arginine.
Molecular consequence: missense variant. On other transcripts: 5 prime UTR variant (2), intron variant (1).
Genome position (GRCh38, 1-based): chr11:76,926,635, A>G. VCF-style: chr11-76926635-A-G. GRCh37 (hg19) VCF-style: chr11-76637679-A-G.
Other names: c.-175A>G (NM_001300954.2); c.-51A>G (NM_001300955.2); c.104-32344A>G (NM_001300953.2); short protein forms K61R.
Identifiers: ClinVar variation 1415208 (VCV001415208.6), dbSNP rs555155221, ClinGen allele CA225029991.
Genomic context (GRCh38, chr11:76,926,635, plus strand): 5'-TGATCATGATTATACCTCCAATGTTCGGTGCAGTTCAGAGTGTTAGAGACGGTCTGGAAA[A>G]GCGGTACATTGCTTCTTATTTAGCACTCACAGGTATGTATAACACTGTATCTGAAGAAAT-3'
Protein context (NP_060837.3, residues 51-71): AVQSVRDGLE[Lys61Arg]RYIASYLALT

ClinVar aggregate classification (germline): Uncertain significance (1 of 4 stars; one submission).

Allele frequency attached by ClinVar (database versions not stated): gnomAD exomes 0.00001; gnomAD 0.00002 and 0.00005; TOPMed 0.00002.
gnomAD v4.1: 58 of 1,602,768 alleles (0.0036%); highest among the groups gnomAD compares: African/African-American, 0.035%; 1 homozygote.

Submission:

Labcorp Genetics (formerly Invitae), Labcorp
Classification: Uncertain significance. Last evaluated: 2025-07-02. Review status: criteria provided, single submitter. Criteria: Invitae Variant Classification Sherloc (09022015). Collection method: clinical testing. Allele origin: germline.
Comment: This sequence change replaces lysine, which is basic and polar, with arginine, which is basic and polar, at codon 61 of the ACER3 protein (p.Lys61Arg). This variant is not present in population databases (gnomAD no frequency). This variant has not been reported in the literature in individuals affected with ACER3-related conditions. ClinVar contains an entry for this variant (Variation ID: 1415208). Invitae Evidence Modeling of protein sequence and biophysical properties (such as structural, functional, and spatial information, amino acid conservation, physicochemical variation, residue mobility, and thermodynamic stability) indicates that this missense variant is not expected to disrupt ACER3 protein function with a negative predictive value of 80%. In summary, the available evidence is currently insufficient to determine the role of this variant in disease. Therefore, it has been classified as a Variant of Uncertain Significance.